The following is an entry in ClinVar:

ClinVar aggregate classification (germline): Uncertain significance. Review status: criteria provided, multiple submitters, no conflicts (2 of 4 stars). 5 submissions from 4 submitters: Uncertain significance (5). Last evaluated 2025-10-07.

Conditions:
Inborn genetic diseases. Identifiers: MedGen C0950123, MeSH D030342.
Weill-Marchesani syndrome. Also called: WM Syndrome; Mesodermal dysmorphodystrophy congenital. Identifiers: Orphanet 3449, MedGen C0265313, MONDO:0018096.
Glaucoma 3, primary congenital, D. Identifiers: Orphanet 98976, MedGen C2751316, MONDO:0013122, OMIM 613086.
Glaucoma 3, primary infantile, B. Also called: GLAUCOMA, PRIMARY CONGENITAL, TYPE B; GLC3 type B; Primary congenital glaucoma type 3B; Glaucoma primary congenita type 3B; GLC3B. Identifiers: Orphanet 98976, MedGen C1832977, MONDO:0010968, OMIM 600975.
Microspherophakia and/or megalocornea, with ectopia lentis and with or without secondary glaucoma (MSPKA). Identifiers: Orphanet 238763, MedGen C3538951, MONDO:0009633, OMIM 251750.
Weill-Marchesani syndrome 3 (WMS3). Also called: LTBP2-Related Weill-Marchesani Syndrome; Weill-Marchesani syndrome 3, recessive. Identifiers: Orphanet 3449, MedGen C3553785, MONDO:0013899, OMIM 614819.

Allele frequency attached by ClinVar (database versions not stated): gnomAD 0.00003; gnomAD exomes 0.00006; ExAC 0.00007; TOPMed 0.00007; ESP Exome Variant Server 0.00008; 1000 Genomes Project 30x 0.00016; 1000 Genomes Project 0.00020.
gnomAD v4.1: 98 of 1,614,124 alleles (0.0061%); highest among the groups gnomAD compares: Non-Finnish European, 0.0075%; no homozygotes.

Submissions (5):

Labcorp Genetics (formerly Invitae), Labcorp
Classification: Uncertain significance. Last evaluated: 2025-10-07. Review status: criteria provided, single submitter. Criteria: Invitae Variant Classification Sherloc (09022015). Collection method: clinical testing. Allele origin: germline.
Comment: This sequence change replaces arginine, which is basic and polar, with tryptophan, which is neutral and slightly polar, at codon 1429 of the LTBP2 protein (p.Arg1429Trp). This variant is present in population databases (rs150484024, gnomAD 0.01%). This variant has not been reported in the literature in individuals affected with LTBP2-related conditions. ClinVar contains an entry for this variant (Variation ID: 314275). An algorithm developed to predict the effect of missense changes on protein structure and function outputs the following: PolyPhen-2: "Benign". The tryptophan amino acid residue is found in multiple mammalian species, which suggests that this missense change does not adversely affect protein function. In summary, the available evidence is currently insufficient to determine the role of this variant in disease. Therefore, it has been classified as a Variant of Uncertain Significance.

Ambry Genetics
Classification: Uncertain significance for Inborn genetic diseases. Last evaluated: 2025-03-18. Review status: criteria provided, single submitter. Criteria: Ambry Variant Classification Scheme 2023. Collection method: clinical testing. Allele origin: germline.

Fulgent Genetics
Classification: Uncertain significance for Microspherophakia and/or megalocornea, with ectopia lentis and with or without secondary glaucoma; Glaucoma 3, primary infantile, B; Glaucoma 3, primary congenital, D; Weill-Marchesani syndrome 3. Last evaluated: 2021-10-29. Review status: criteria provided, single submitter. Criteria: ACMG Guidelines, 2015. Collection method: clinical testing. Allele origin: unknown.

Illumina Laboratory Services, Illumina
Classification: Uncertain significance for Glaucoma 3, primary congenital, D. Last evaluated: 2018-01-12. Review status: criteria provided, single submitter. Criteria: ICSL Variant Classification Criteria 13 December 2019. Collection method: clinical testing. Allele origin: germline.

Illumina Laboratory Services, Illumina
Classification: Uncertain significance for Weill-Marchesani syndrome. Last evaluated: 2018-01-12. Review status: criteria provided, single submitter. Criteria: ICSL Variant Classification Criteria 13 December 2019. Collection method: clinical testing. Allele origin: germline.

NM_000428.3(LTBP2):c.4285C>T (p.Arg1429Trp)

Gene: LTBP2 (latent transforming growth factor beta binding protein 2; minus strand). Cytogenetic location: 14q24.3.
Variant type: single nucleotide variant.
Coding change: c.4285C>T on transcript NM_000428.3 (MANE Select); coding-DNA position 4285, C replaced by T.
Protein change: p.Arg1429Trp; replaces arginine 1429 with tryptophan.
Molecular consequence: missense variant.
Genome position (GRCh38, 1-based): chr14:74,505,067, G>A on the plus strand (C>T on the coding strand, the complement: LTBP2 is on the minus strand). VCF-style: chr14-74505067-G-A. GRCh37 (hg19) VCF-style: chr14-74971770-G-A.
Other names: short protein forms R1429W.
Identifiers: ClinVar variation 314275 (VCV000314275.13), dbSNP rs150484024, ClinGen allele CA7268800.